The following is an entry in ClinVar:

ClinVar aggregate classification (germline): Uncertain significance (1 of 4 stars; one submission).

gnomAD v4.1: 1 of 1,613,484 alleles (0.000062%); highest among the groups gnomAD compares: Admixed American, 0.0017%; no homozygotes.

Submission:

Labcorp Genetics (formerly Invitae), Labcorp
Classification: Uncertain significance. Last evaluated: 2022-04-17. Review status: criteria provided, single submitter. Criteria: Invitae Variant Classification Sherloc (09022015). Collection method: clinical testing. Allele origin: germline.
Comment: This sequence change replaces glutamic acid, which is acidic and polar, with glutamine, which is neutral and polar, at codon 2187 of the CACNA1E protein (p.Glu2187Gln). This variant is not present in population databases (gnomAD no frequency). This variant has not been reported in the literature in individuals affected with CACNA1E-related conditions. Algorithms developed to predict the effect of missense changes on protein structure and function are either unavailable or do not agree on the potential impact of this missense change (SIFT: "Deleterious"; PolyPhen-2: "Probably Damaging"; Align-GVGD: "Class C0"). In summary, the available evidence is currently insufficient to determine the role of this variant in disease. Therefore, it has been classified as a Variant of Uncertain Significance.

NM_001205293.3(CACNA1E):c.6688G>C (p.Glu2230Gln)

Gene: CACNA1E (calcium voltage-gated channel subunit alpha1 E; plus strand). Cytogenetic location: 1q25.3.
Variant type: single nucleotide variant.
Coding change: c.6688G>C on transcript NM_001205293.3 (MANE Select); coding-DNA position 6688, G replaced by C.
Protein change: p.Glu2230Gln; replaces glutamic acid 2230 with glutamine.
Molecular consequence: missense variant.
Genome position (GRCh38, 1-based): chr1:181,798,580, G>C. VCF-style: chr1-181798580-G-C. GRCh37 (hg19) VCF-style: chr1-181767716-G-C.
Other names: c.6559G>C, p.Glu2187Gln (NM_000721.4); c.6502G>C, p.Glu2168Gln (NM_001205294.2); short protein forms E2187Q, E2230Q, E2168Q.
Identifiers: ClinVar variation 2127396 (VCV002127396.4), dbSNP rs1005165258, ClinGen allele CA343845305.
Genomic context (GRCh38, chr1:181,798,580, plus strand): 5'-TCTTCCAACTCTCCGCACCCCCAGCAGAGCCAACATGCCTCCCCACAGCGCTACATCTCC[G>C]AGCCCTACTTGGCCCTGCACGAAGACTCCCACGCCTCAGACTGTGGTGAGGAGGAGACGC-3'
Protein context (NP_001192222.1, residues 2220-2240): QHASPQRYIS[Glu2230Gln]PYLALHEDSH